The following is an entry in ClinVar:

ClinVar aggregate classification (germline): Uncertain significance (1 of 4 stars; one submission).

Conditions:
Hajdu-Cheney syndrome (HJCYS). Also called: SERPENTINE FIBULA-POLYCYSTIC KIDNEY SYNDROME; ACROOSTEOLYSIS WITH OSTEOPOROSIS AND CHANGES IN SKULL AND MANDIBLE; Acroosteolysis dominant type. Identifiers: Orphanet 955, MedGen C0917715, MONDO:0007057, OMIM 102500.

Submission:

Labcorp Genetics (formerly Invitae), Labcorp
Classification: Uncertain significance for Hajdu-Cheney syndrome. Last evaluated: 2022-07-06. Review status: criteria provided, single submitter. Criteria: Invitae Variant Classification Sherloc (09022015). Collection method: clinical testing. Allele origin: germline.
Comment: ClinVar contains an entry for this variant (Variation ID: 1500598). This variant has not been reported in the literature in individuals affected with NOTCH2-related conditions. This variant is not present in population databases (gnomAD no frequency). This sequence change falls in intron 12 of the NOTCH2 gene. It does not directly change the encoded amino acid sequence of the NOTCH2 protein. It affects a nucleotide within the consensus splice site. Variants that disrupt the consensus splice site are a relatively common cause of aberrant splicing (PMID: 17576681, 9536098). Algorithms developed to predict the effect of sequence changes on RNA splicing suggest that this variant is not likely to affect RNA splicing. In summary, the available evidence is currently insufficient to determine the role of this variant in disease. Therefore, it has been classified as a Variant of Uncertain Significance.

Literature cited by the submitters: PubMed 17576681; PubMed 9536098.

NM_024408.4(NOTCH2):c.2026+6G>C

Gene: NOTCH2 (notch receptor 2; minus strand). Cytogenetic location: 1p12.
Variant type: single nucleotide variant.
Coding change: c.2026+6G>C on transcript NM_024408.4 (MANE Select); 6 bases into the intron after coding-DNA position 2026, G replaced by C.
Molecular consequence: intron variant.
Genome position (GRCh38, 1-based): chr1:119,959,386, C>G on the plus strand (G>C on the coding strand, the complement: NOTCH2 is on the minus strand). VCF-style: chr1-119959386-C-G. GRCh37 (hg19) VCF-style: chr1-120502009-C-G.
Other names: c.2026+6G>C (NM_001200001.2).
Identifiers: ClinVar variation 1500598 (VCV001500598.6), dbSNP rs587731563, ClinGen allele CA2573130968.